The following is an entry in ClinVar:

ClinVar aggregate classification (germline): Benign/Likely benign. Review status: criteria provided, multiple submitters, no conflicts (2 of 4 stars). 3 submissions from 3 submitters: Benign (1); Likely benign (2). Last evaluated 2024-11-26.

Allele frequency attached by ClinVar (database versions not stated): 1000 Genomes Project 30x 0.00094; 1000 Genomes Project 0.00100; TOPMed 0.00150; ESP Exome Variant Server 0.00192; gnomAD 0.00222 and 0.00236; ExAC 0.00247; gnomAD exomes 0.00247 and 0.00250.
gnomAD v4.1: 4,005 of 1,613,992 alleles (0.25%); highest among the groups gnomAD compares: Non-Finnish European, 0.26%; 10 homozygotes.

Submissions (3):

Blueprint Genetics
Classification: Likely benign. Last evaluated: 2024-11-26. Review status: criteria provided, single submitter. Criteria: ACMG Guidelines, 2015. Collection method: clinical testing. Allele origin: germline.

CeGaT Center for Human Genetics Tuebingen
Classification: Likely benign. Last evaluated: 2024-09-01. Review status: criteria provided, single submitter. Criteria: CeGaT Center For Human Genetics Tuebingen Variant Classification Criteria Version 2. Collection method: clinical testing. Allele origin: germline. Affected: yes. Observed: 2 variant alleles.
Comment: IRS1: BP4, BP7

Labcorp Genetics (formerly Invitae), Labcorp
Classification: Benign. Last evaluated: 2019-12-31. Review status: criteria provided, single submitter. Criteria: Invitae Variant Classification Sherloc (09022015). Collection method: clinical testing. Allele origin: germline.

NM_005544.3(IRS1):c.2814T>C (p.Thr938=)

Gene: IRS1 (insulin receptor substrate 1; minus strand). Cytogenetic location: 2q36.3.
Variant type: single nucleotide variant.
Coding change: c.2814T>C on transcript NM_005544.3 (MANE Select); coding-DNA position 2814, T replaced by C.
Protein change: p.Thr938=; no amino-acid change (threonine 938 retained).
Molecular consequence: synonymous variant.
Genome position (GRCh38, 1-based): chr2:226,795,925, A>G on the plus strand (T>C on the coding strand, the complement: IRS1 is on the minus strand). VCF-style: chr2-226795925-A-G. GRCh37 (hg19) VCF-style: chr2-227660641-A-G.
Identifiers: ClinVar variation 728208 (VCV000728208.29), dbSNP rs142101835, ClinGen allele CA2143013.